The following is an entry in ClinVar:

NM_017802.4(DNAAF5):c.55G>T (p.Ala19Ser)

Genes: DNAAF5 (dynein axonemal assembly factor 5; plus strand), PRKAR1B (protein kinase cAMP-dependent type I regulatory subunit beta; minus strand), LOC129997730 (ATAC-STARR-seq lymphoblastoid silent region 17816; plus strand). Cytogenetic location: 7p22.3.
Variant type: single nucleotide variant.
Coding change: c.55G>T on transcript NM_017802.4 (MANE Select); coding-DNA position 55, G replaced by T.
Protein change: p.Ala19Ser; replaces alanine 19 with serine.
Molecular consequence: missense variant. On other transcripts: non-coding transcript variant (1), intron variant (3).
Genome position (GRCh38, 1-based): chr7:726,775, G>T. VCF-style: chr7-726775-G-T. GRCh37 (hg19) VCF-style: chr7-766412-G-T.
Other names: c.-23+880C>A (NM_001164759.1); c.-23+815C>A (NM_001164758.2); c.-23+435C>A (NM_001164760.2); short protein forms A19S.
Identifiers: ClinVar variation 1467641 (VCV001467641.8), dbSNP rs1164221686, ClinGen allele CA366529659.

ClinVar aggregate classification (germline): Uncertain significance (1 of 4 stars; one submission).

Conditions:
Primary ciliary dyskinesia. Also called: Ciliary dyskinesia. Identifiers: Orphanet 244, MedGen C0008780, MONDO:0016575, HP:0012265.

gnomAD v4.1: 3 of 1,270,042 alleles (0.00024%); highest among the groups gnomAD compares: Non-Finnish European, 0.0002%; no homozygotes.

Submission:

Labcorp Genetics (formerly Invitae), Labcorp
Classification: Uncertain significance for Primary ciliary dyskinesia. Last evaluated: 2024-10-16. Review status: criteria provided, single submitter. Criteria: Invitae Variant Classification Sherloc (09022015). Collection method: clinical testing. Allele origin: germline.
Comment: This sequence change replaces alanine, which is neutral and non-polar, with serine, which is neutral and polar, at codon 19 of the DNAAF5 protein (p.Ala19Ser). This variant is not present in population databases (gnomAD no frequency). This variant has not been reported in the literature in individuals affected with DNAAF5-related conditions. ClinVar contains an entry for this variant (Variation ID: 1467641). Experimental studies and prediction algorithms are not available or were not evaluated, and the functional significance of this variant is currently unknown. In summary, the available evidence is currently insufficient to determine the role of this variant in disease. Therefore, it has been classified as a Variant of Uncertain Significance.